The following is an entry in ClinVar:

ClinVar aggregate classification (germline): Uncertain significance (1 of 4 stars; one submission).

Conditions:
Inborn genetic diseases. Identifiers: MedGen C0950123, MeSH D030342.

Submission:

Ambry Genetics
Classification: Uncertain significance for Inborn genetic diseases. Last evaluated: 2025-06-08. Review status: criteria provided, single submitter. Criteria: Ambry Variant Classification Scheme 2023. Collection method: clinical testing. Allele origin: germline.
Comment: The p.S804L variant (also known as c.2411C>T), located in coding exon 25 of the RTEL1 gene, results from a C to T substitution at nucleotide position 2411. The serine at codon 804 is replaced by leucine, an amino acid with dissimilar properties. This amino acid position is conserved. In addition, this alteration is predicted to be tolerated by in silico analysis. Based on the available evidence, the clinical significance of this variant remains unclear.

NM_001283009.2(RTEL1):c.2411C>T (p.Ser804Leu)

Genes: RTEL1 (regulator of telomere elongation helicase 1; plus strand), RTEL1-TNFRSF6B (RTEL1-TNFRSF6B readthrough (NMD candidate); plus strand). Cytogenetic location: 20q13.33.
Variant type: single nucleotide variant.
Coding change: c.2411C>T on transcript NM_001283009.2 (MANE Select); coding-DNA position 2411, C replaced by T.
Protein change: p.Ser804Leu; replaces serine 804 with leucine.
Molecular consequence: missense variant. On other transcripts: non-coding transcript variant (1).
Genome position (GRCh38, 1-based): chr20:63,690,439, C>T. VCF-style: chr20-63690439-C-T. GRCh37 (hg19) VCF-style: chr20-62321792-C-T.
Other names: c.1742C>T, p.Ser581Leu (NM_001283010.1); c.2411C>T, p.Ser804Leu (NM_016434.4); c.2483C>T, p.Ser828Leu (NM_032957.5); short protein forms S581L, S804L, S828L.
Identifiers: ClinVar variation 3948477 (VCV003948477.1).